The following is an entry in ClinVar:

ClinVar aggregate classification (germline): Uncertain significance. Review status: criteria provided, multiple submitters, no conflicts (2 of 4 stars). 4 submissions from 4 submitters: Uncertain significance (4). Last evaluated 2026-07-08.

Conditions:
TYROBP-related disorder. Also called: TYROBP-related condition.
Cerebellar atrophy. Identifiers: MedGen C0740279, HP:0001272.
Frontotemporal cerebral atrophy. Identifiers: MedGen C4021584, HP:0006892.
Memory impairment. Identifiers: MedGen C0233794, HP:0002354.
Dementia. Identifiers: MedGen C0497327, MONDO:0001627, HP:0000726.
Parkinsonian disorder. Also called: Parkinsonism. Identifiers: MedGen C0242422, MONDO:0021095, HP:0001300.
Bradykinesia. Identifiers: MedGen C0233565, HP:0002067.
Cerebral cortical atrophy. Identifiers: MedGen C4551583, HP:0002120.
Caudate atrophy. Identifiers: MedGen C1858116, HP:0002340.
Action tremor. Identifiers: MedGen C0234376, HP:0002345.

Allele frequency attached by ClinVar (database versions not stated): TOPMed 0.00003; gnomAD 0.00006.

Submissions (5):

PreventionGenetics, part of Exact Sciences
Classification: Uncertain significance for TYROBP-related condition. Last evaluated: 2026-07-08. Review status: criteria provided, single submitter. Criteria: ACMG Guidelines, 2015. Collection method: clinical testing. Allele origin: germline.
Comment: The TYROBP c.94G>A variant is predicted to result in the amino acid substitution p.Asp32Asn. This variant has been reported in an individual with dementia (Zalar et al. 2018. PubMed ID: 29930232). This variant is predicted to alter splicing based on available splicing prediction programs (SpliceAI, Jaganathan et al. 2019. PubMed ID: 30661751). However, the use of computer prediction programs is not equivalent to functional evidence. This variant is reported in 0.015% of alleles in individuals of East Asian descent in gnomAD. At this time, the clinical significance of this variant is uncertain due to the absence of conclusive functional and genetic evidence.

Labcorp Genetics (formerly Invitae), Labcorp
Classification: Uncertain significance. Last evaluated: 2024-12-10. Review status: criteria provided, single submitter. Criteria: Invitae Variant Classification Sherloc (09022015). Collection method: clinical testing. Allele origin: germline.
Comment: This sequence change replaces aspartic acid, which is acidic and polar, with asparagine, which is neutral and polar, at codon 32 of the TYROBP protein (p.Asp32Asn). This variant also falls at the last nucleotide of exon 2, which is part of the consensus splice site for this exon. This variant is present in population databases (rs758290972, gnomAD 0.02%). This missense change has been observed in individual(s) with unspecified dementia (PMID: 29930232). ClinVar contains an entry for this variant (Variation ID: 374122). An algorithm developed to predict the effect of missense changes on protein structure and function (PolyPhen-2) suggests that this variant is likely to be tolerated. Variants that disrupt the consensus splice site are a relatively common cause of aberrant splicing (PMID: 17576681, 9536098). Algorithms developed to predict the effect of sequence changes on RNA splicing suggest that this variant may disrupt the consensus splice site. In summary, the available evidence is currently insufficient to determine the role of this variant in disease. Therefore, it has been classified as a Variant of Uncertain Significance.

GeneDx
Classification: Uncertain significance. Last evaluated: 2024-06-21. Review status: criteria provided, single submitter. Criteria: GeneDx Variant Classification Process June 2021. Collection method: clinical testing. Allele origin: germline. Affected: yes.
Comment: Not observed at significant frequency in large population cohorts (gnomAD); Alters the last nucleotide of the exon and is predicted to destroy the splice donor site but the effect on protein function is unclear; In silico analysis indicates that this missense variant does not alter protein structure/function; Reported in a patient with dementia; however, additional clinical information was not provided (PMID: 29930232); This variant is associated with the following publications: (PMID: 30316000, 29930232)

Centre for Mendelian Genomics, University Medical Centre Ljubljana
Classification: Uncertain significance for Action tremor; Bradykinesia; Caudate atrophy; Cerebellar atrophy; Cerebral cortical atrophy; Dementia; Frontotemporal cerebral atrophy; Memory impairment; Parkinsonian disorder. Last evaluated: 2014-12-12. Review status: criteria provided, single submitter. Criteria: ACMG Guidelines, 2015. Collection method: clinical testing. Allele origin: unknown. Affected: yes.

Dr. Peter K. Rogan Lab, Western University
No classification provided (evidence only). Condition: Familial cancer of breast. Review status: no classification provided. Collection method: in vitro. Allele origin: not applicable. Functional consequence: skipped exon, retained intron. Not counted in ClinVar's aggregate classification.

Literature cited by the submitters: PubMed 29930232 (cited by Labcorp Genetics (formerly Invitae), Labcorp); PubMed 17576681 (cited by Labcorp Genetics (formerly Invitae), Labcorp); PubMed 9536098 (cited by Labcorp Genetics (formerly Invitae), Labcorp).

NM_003332.4(TYROBP):c.94G>A (p.Asp32Asn)

Gene: TYROBP (transmembrane immune signaling adaptor TYROBP; minus strand). Cytogenetic location: 19q13.12.
Variant type: single nucleotide variant.
Coding change: c.94G>A on transcript NM_003332.4 (MANE Select); coding-DNA position 94, G replaced by A.
Protein change: p.Asp32Asn; replaces aspartic acid 32 with asparagine.
Molecular consequence: missense variant. On other transcripts: intron variant (2).
Genome position (GRCh38, 1-based): chr19:35,907,730, C>T on the plus strand (G>A on the coding strand, the complement: TYROBP is on the minus strand). VCF-style: chr19-35907730-C-T. GRCh37 (hg19) VCF-style: chr19-36398632-C-T.
Other names: c.94G>A, p.Asp32Asn (NM_198125.3); c.62-150G>A (NM_001173515.2, NM_001173514.2); short protein forms D32N.
Identifiers: ClinVar variation 374122 (VCV000374122.8), dbSNP rs758290972, ClinGen allele CA9393127.
Genomic context (GRCh38, chr19:35,907,730, plus strand): 5'-GAGACGGAGACAGGGAGGTCTCTGGGAGGTAGAGAGAGGGACTGCTGGGTCTAGGCCTAC[C>T]GCTCTGGGCCTGGGCCTGGACAGGACGGAGACCTGAGGAGGAAAAAGAAGGTAAACTGAG-3'
Protein context (NP_003323.1, residues 22-42): LRPVQAQAQS[Asp32Asn]CSCSTVSPGV